The following is an entry in ClinVar:

ClinVar aggregate classification (germline): Uncertain significance. Review status: criteria provided, multiple submitters, no conflicts (2 of 4 stars). 3 submissions from 3 submitters: Uncertain significance (3). Last evaluated 2026-01-28.

Conditions:
Hereditary sensory and autonomic neuropathy type 7. Also called: Neuropathy, hereditary sensory and autonomic, type VII; HSAN VII. Identifiers: Orphanet 391397, MedGen C3809882, MONDO:0014244, OMIM 615548.
Familial episodic pain syndrome with predominantly lower limb involvement. Also called: Episodic pain syndrome, familial, 3. Identifiers: Orphanet 391384, Orphanet 391392, MedGen C3809899, MONDO:0014247, OMIM 615552.
Inborn genetic diseases. Identifiers: MedGen C0950123, MeSH D030342.

Submissions (3):

Labcorp Genetics (formerly Invitae), Labcorp
Classification: Uncertain significance for Familial episodic pain syndrome with predominantly lower limb involvement; Hereditary sensory and autonomic neuropathy type 7. Last evaluated: 2026-01-28. Review status: criteria provided, single submitter. Criteria: Invitae Variant Classification Sherloc (09022015). Collection method: clinical testing. Allele origin: germline.
Comment: This sequence change creates a premature translational stop signal (p.Leu495*) in the SCN11A gene. It is expected to result in an absent or disrupted protein product. However, the current clinical and genetic evidence is not sufficient to establish whether loss-of-function variants in SCN11A cause disease. This variant is present in population databases (rs763788482, gnomAD 0.0009%). This variant has not been reported in the literature in individuals affected with SCN11A-related conditions. ClinVar contains an entry for this variant (Variation ID: 541557). In summary, the available evidence is currently insufficient to determine the role of this variant in disease. Therefore, it has been classified as a Variant of Uncertain Significance.

Ambry Genetics
Classification: Uncertain significance for Inborn genetic diseases. Last evaluated: 2021-09-09. Review status: criteria provided, single submitter. Criteria: Ambry Variant Classification Scheme 2023. Collection method: clinical testing. Allele origin: germline.
Comment: The c.1483delC variant, located in coding exon 11 of the SCN11A gene, results from a deletion of one nucleotide at nucleotide position 1483, causing a translational frameshift with a predicted alternate stop codon (p.L495*). This alteration is expected to result in loss of function by premature protein truncation or nonsense-mediated mRNA decay. However, loss of function of SCN11A has not been clearly established as a mechanism of disease. Since supporting evidence is limited at this time, the clinical significance of this alteration remains unclear.

GeneDx
Classification: Uncertain significance. Last evaluated: 2019-06-24. Review status: criteria provided, single submitter. Criteria: GeneDx Variant Classification Process June 2021. Collection method: clinical testing. Allele origin: germline. Affected: yes.
Comment: Not observed at a significant frequency in large population cohorts (Lek et al., 2016); Nonsense variant predicted to result in protein truncation or nonsense mediated decay in a gene for which loss-of-function is not a known mechanism of disease; Has not been previously published as pathogenic or benign to our knowledge

NM_001349253.2(SCN11A):c.1483del (p.Leu494_Leu495insTer)

Gene: SCN11A (sodium voltage-gated channel alpha subunit 11; minus strand). Cytogenetic location: 3p22.2.
Variant type: Deletion.
Coding change: c.1483del on transcript NM_001349253.2 (MANE Select); coding-DNA position 1483, one base deleted (C; older notation c.1483delC).
Protein change: p.Leu494_Leu495insTer.
Molecular consequence: nonsense.
Genome position (GRCh38, 1-based): chr3:38,905,312, G deleted on the plus strand (C on the coding strand, the reverse complement: SCN11A is on the minus strand); the first of 2 consecutive G bases (chr3:38,905,312-38,905,313); deleting either gives the same sequence. VCF-style (leftmost placement, unchanged base first): chr3-38905311-AG-A. GRCh37 (hg19) VCF-style: chr3-38946802-AG-A.
Other names: c.1483delC (NM_014139.2); c.1483del, p.Leu494_Leu495insTer (NM_014139.3).
Identifiers: ClinVar variation 541557 (VCV000541557.9), dbSNP rs763788482, ClinGen allele CA2322285.